The following is an entry in ClinVar:

NM_001195518.2(MICU1):c.1242T>C (p.Asp414=)

Gene: MICU1 (mitochondrial calcium uptake 1; minus strand). Cytogenetic location: 10q22.1.
Variant type: single nucleotide variant.
Coding change: c.1242T>C on transcript NM_001195518.2 (MANE Select); coding-DNA position 1242, T replaced by C.
Protein change: p.Asp414=; no amino-acid change (aspartic acid 414 retained).
Molecular consequence: synonymous variant. On other transcripts: non-coding transcript variant (3), intron variant (1).
Genome position (GRCh38, 1-based): chr10:72,375,811, A>G on the plus strand (T>C on the coding strand, the complement: MICU1 is on the minus strand). VCF-style: chr10-72375811-A-G. GRCh37 (hg19) VCF-style: chr10-74135569-A-G.
Other names: c.648T>C, p.Asp216= (NM_001195519.2, NM_001441231.1); c.1260T>C, p.Asp420= (NM_001363513.2); c.1473T>C, p.Asp491= (NM_001441218.1); c.1410T>C, p.Asp470= (NM_001441219.1); c.1242T>C, p.Asp414= (NM_001441220.1, NM_001441221.1, NM_001441222.1 and 1 more transcripts); c.1230T>C, p.Asp410= (NM_001441224.1); c.1143T>C, p.Asp381= (NM_001441226.1); c.1119T>C, p.Asp373= (NM_001441227.1); and 7 more.
Identifiers: ClinVar variation 4714270 (VCV004714270.2).
Genomic context (GRCh38, chr10:72,375,811, plus strand): 5'-TTCCCCTCCGGGCTCCAGAGGGCCCCACTCACCATCACAGTCAAAGAGTGCAAACACCAC[A>G]TCACACACGTGGTCTGAGAGCTCCACTTTAGCCACTGTCCTGGCCACCTGCTGCATGGTC-3'
Protein context (NP_001182447.1, residues 404-424): AKVELSDHVC[Asp414=]VVFALFDCDG

ClinVar aggregate classification (germline): Likely benign. Review status: criteria provided, multiple submitters, no conflicts (2 of 4 stars). 2 submissions from 2 submitters: Likely benign (2). Last evaluated 2025-03-11.

Conditions:
MICU1-related disorder. Also called: MICU1-related condition.

gnomAD v4.1: 1 of 1,613,390 alleles (0.000062%); highest among the groups gnomAD compares: South Asian, 0.0011%; no homozygotes.

Submissions (2):

Labcorp Genetics (formerly Invitae), Labcorp
Classification: Likely benign. Last evaluated: 2025-03-11. Review status: criteria provided, single submitter. Criteria: Invitae Variant Classification Sherloc (09022015). Collection method: clinical testing. Allele origin: germline.

PreventionGenetics, part of Exact Sciences
Classification: Likely benign for MICU1-related condition. Last evaluated: 2025-03-11. Review status: criteria provided, single submitter. Criteria: ACMG Guidelines, 2015. Collection method: clinical testing. Allele origin: germline.
Comment: This variant is classified as likely benign based on ACMG/AMP sequence variant interpretation guidelines (Richards et al. 2015 PMID: 25741868, with internal and published modifications).